The following is an entry in ClinVar:

NM_001005242.3(PKP2):c.176A>T (p.Gln59Leu)

Gene: PKP2 (plakophilin 2; minus strand). Cytogenetic location: 12p11.21.
Variant type: single nucleotide variant.
Coding change: c.176A>T on transcript NM_001005242.3 (MANE Select); coding-DNA position 176, A replaced by T.
Protein change: p.Gln59Leu; replaces glutamine 59 with leucine.
Molecular consequence: missense variant.
Genome position (GRCh38, 1-based): chr12:32,896,556, T>A on the plus strand (A>T on the coding strand, the complement: PKP2 is on the minus strand). VCF-style: chr12-32896556-T-A. GRCh37 (hg19) VCF-style: chr12-33049490-T-A.
Other names: c.176A>T, p.Gln59Leu (NM_004572.4); short protein forms Q59L.
Identifiers: ClinVar variation 180471 (VCV000180471.9), dbSNP rs730880179, ClinGen allele CA011408.
Genomic context (GRCh38, chr12:32,896,556, plus strand): 5'-GGGCTCCACTCACCGTTGCCCACGGAGCTGCGGCCCTTCCGGGCGAGGGTCTGCTGCACC[T>A]GCTCCTGGATCCGCAGGCTCTTGACTGTCTGGCCGCCGCGGCCGCTGCTCCCCGCCAGCT-3'
Protein context (NP_001005242.2, residues 49-69): QTVKSLRIQE[Gln59Leu]VQQTLARKGR

ClinVar aggregate classification (germline): Conflicting classifications of pathogenicity. Review status: criteria provided, conflicting classifications (1 of 4 stars). 4 submissions from 4 submitters: Uncertain significance (2); Likely benign (2). Last evaluated 2024-04-16.

Conditions:
Arrhythmogenic right ventricular cardiomyopathy (ARVD). Also called: Cardiomyopathy, ARVC; Arrhythmogenic right ventricular dysplasia; Arrhythmogenic cardiomyopathy; Arrhythmogenic Right Ventricular Cardiomyopathy (ARVC). Identifiers: Orphanet 247, MedGen C0349788, MeSH D019571, MONDO:0016587. Disease mechanism: loss of function. Inheritance: Various modes of inheritance.
Arrhythmogenic right ventricular dysplasia 9 (ARVD9). Also called: ARRHYTHMOGENIC RIGHT VENTRICULAR DYSPLASIA, FAMILIAL, 9; Arrhythmogenic Right Ventricular Dysplasia/Cardiomyopathy 9. Identifiers: MedGen C1836906, MONDO:0012180, OMIM 609040.

Allele frequency attached by ClinVar (database versions not stated): gnomAD exomes 0.00006; ExAC 0.00011; gnomAD 0.00014 and 0.00016.
gnomAD v4.1: 69 of 1,587,900 alleles (0.0043%); highest among the groups gnomAD compares: Non-Finnish European, 0.00017%; no homozygotes.

Submissions (4):

All of Us Research Program, National Institutes of Health
Classification: Uncertain significance for Arrhythmogenic right ventricular cardiomyopathy. Last evaluated: 2024-04-16. Review status: criteria provided, single submitter. Criteria: ACMG Guidelines, 2015. Collection method: clinical testing. Allele origin: germline. Inheritance: Autosomal dominant inheritance. Observed: 1 variant allele, 1 heterozygote.
Comment: This missense variant replaces glutamine with leucine at codon 59 of the PKP2 protein. Computational prediction suggests that this variant may have deleterious impact on protein structure and function. This variant has been reported to occur in 0.3% of the Finnish population (PMID: 21397041) and claimed to be a founder mutation in that population. This variant has been identified in 21/246924 chromosomes in the general population by the Genome Aggregation Database (gnomAD). The available evidence is insufficient to determine the role of this variant in disease conclusively. Therefore, this variant is classified as a Variant of Uncertain Significance.

This study involves interpretation of variants in research participants for the purpose of population health screening. Participant phenotype was not available at the time of variant classification. Additional details can be found in publication PMID: 35346344, PMCID: PMC8962531

Blueprint Genetics
Classification: Likely benign. Last evaluated: 2023-08-08. Review status: criteria provided, single submitter. Criteria: ACMG Guidelines, 2015. Collection method: clinical testing. Allele origin: germline.

Labcorp Genetics (formerly Invitae), Labcorp
Classification: Likely benign for Arrhythmogenic right ventricular dysplasia 9. Last evaluated: 2023-05-22. Review status: criteria provided, single submitter. Criteria: Invitae Variant Classification Sherloc (09022015). Collection method: clinical testing. Allele origin: germline.

Fulgent Genetics
Classification: Uncertain significance for Arrhythmogenic right ventricular dysplasia 9. Last evaluated: 2021-12-10. Review status: criteria provided, single submitter. Criteria: ACMG Guidelines, 2015. Collection method: clinical testing. Allele origin: unknown.

Literature cited by the submitters: PubMed 21397041 (cited by All of Us Research Program, National Institutes of Health).